The following is an entry in ClinVar:

ClinVar aggregate classification (germline): Uncertain significance (1 of 4 stars; one submission).

gnomAD v4.1: 18 of 1,613,462 alleles (0.0011%); highest among the groups gnomAD compares: African/African-American, 0.004%; no homozygotes.

Submission:

Labcorp Genetics (formerly Invitae), Labcorp
Classification: Uncertain significance. Last evaluated: 2024-08-07. Review status: criteria provided, single submitter. Criteria: Invitae Variant Classification Sherloc (09022015). Collection method: clinical testing. Allele origin: germline.
Comment: This sequence change replaces glutamic acid, which is acidic and polar, with lysine, which is basic and polar, at codon 449 of the MYH14 protein (p.Glu449Lys). This variant is present in population databases (rs759502432, gnomAD 0.008%). This variant has not been reported in the literature in individuals affected with MYH14-related conditions. Advanced modeling of protein sequence and biophysical properties (such as structural, functional, and spatial information, amino acid conservation, physicochemical variation, residue mobility, and thermodynamic stability) performed at Invitae indicates that this missense variant is not expected to disrupt MYH14 protein function with a negative predictive value of 80%. In summary, the available evidence is currently insufficient to determine the role of this variant in disease. Therefore, it has been classified as a Variant of Uncertain Significance.

NM_001145809.2(MYH14):c.1369G>A (p.Glu457Lys)

Gene: MYH14 (myosin heavy chain 14; plus strand). Cytogenetic location: 19q13.33.
Variant type: single nucleotide variant.
Coding change: c.1369G>A on transcript NM_001145809.2 (MANE Select); coding-DNA position 1369, G replaced by A.
Protein change: p.Glu457Lys; replaces glutamic acid 457 with lysine.
Molecular consequence: missense variant.
Genome position (GRCh38, 1-based): chr19:50,249,026, G>A. VCF-style: chr19-50249026-G-A. GRCh37 (hg19) VCF-style: chr19-50752283-G-A.
Other names: c.1369G>A, p.Glu457Lys (NM_001077186.2); c.1345G>A, p.Glu449Lys (NM_024729.4); short protein forms E457K, E449K.
Identifiers: ClinVar variation 3715892 (VCV003715892.2).